The following is an entry in ClinVar:

NM_001165963.4(SCN1A):c.1551_1553del (p.Glu517del)

Gene: SCN1A (sodium voltage-gated channel alpha subunit 1; minus strand). Cytogenetic location: 2q24.3.
Variant type: Deletion.
Coding change: c.1551_1553del on transcript NM_001165963.4 (MANE Select); coding-DNA positions 1551 to 1553, 3 bases deleted (GGA; older notation c.1551_1553delGGA).
Protein change: p.Glu517del; deletes glutamic acid 517.
Molecular consequence: inframe deletion. On other transcripts: 5 prime UTR variant (1), non-coding transcript variant (1).
Genome position (GRCh38, 1-based): chr2:166,045,152-166,045,154, TCC deleted on the plus strand (GGA on the coding strand, the reverse complement: SCN1A is on the minus strand); deleting any 3 consecutive bases within chr2:166,045,152-166,045,156 gives the same sequence; the c. name uses the placement nearest the transcript's 3' end. VCF-style (leftmost placement, unchanged base first): chr2-166045151-ATCC-A. GRCh37 (hg19) VCF-style: chr2-166901661-ATCC-A.
Other names: c.1551_1553del, p.Glu517del (NM_001165964.3, NM_001202435.3, NM_001353948.2 and 7 more transcripts); c.1548_1550del, p.Glu516del (NM_001353954.2, NM_001353955.2, NM_001353960.2); c.-875_-873del (NM_001353961.2); short protein forms E517del, E516del.
Identifiers: ClinVar variation 5006117 (VCV005006117.2).
Genomic context (GRCh38, chr2:166,045,151, plus strand): 5'-AATGGAGAAGCGAAAACCTTTCCTCCTGATGCTGTCCTCAGATTCAGATTTTTGGAATTC[ATCC>A]TCATCTTTCTCTTCCCCACCAGACTGCTCTTTCTGTTTTCTTTTCTTCCTCCGATTTCTT-3'

ClinVar aggregate classification (germline): Uncertain significance (1 of 4 stars; one submission).

Conditions:
Migraine, familial hemiplegic, 3. Identifiers: Orphanet 569, MedGen C1864987, MONDO:0012320, OMIM 609634.
Severe myoclonic epilepsy in infancy (DRVT). Also called: SEVERE MYOCLONIC EPILEPSY OF INFANCY; DEVELOPMENTAL AND EPILEPTIC ENCEPHALOPATHY 6A; Severe Myoclonic Epilepsy in Infancy (SMEI); Dravet syndrome; Epileptic encephalopathy, early infantile, 6 (Dravet syndrome). Identifiers: Orphanet 33069, MedGen C0751122, MONDO:0100135, OMIM 607208.
Developmental and epileptic encephalopathy 6B. Also called: Developmental and epileptic encephalopathy 6B, non-Dravet. Identifiers: MedGen C5543353, MONDO:0030268, OMIM 619317.
Generalized epilepsy with febrile seizures plus, type 2 (GEFSP2). Also called: GEFS+, TYPE 2. Identifiers: Orphanet 36387, MedGen C1858673, MONDO:0011461, OMIM 604403.

Submission:

Juno Genomics, Hangzhou Juno Genomics, Inc
Classification: Uncertain significance for Developmental and epileptic encephalopathy 6B; Severe myoclonic epilepsy in infancy; Generalized epilepsy with febrile seizures plus, type 2; Migraine, familial hemiplegic, 3. Review status: criteria provided, single submitter. Criteria: ACMG Guidelines, 2015. Collection method: clinical testing. Allele origin: germline.
Comment: Absent from controls (or at extremely low frequency if recessive) in Genome Aggregation Database.;Protein length changes due to in-frame deletions/insertions in a non-repeat region or stop-loss variants.